The following is an entry in ClinVar:

ClinVar aggregate classification (germline): Uncertain significance (1 of 4 stars; one submission).

Conditions:
Spinal muscular atrophy (SMA). Identifiers: MedGen C0026847, MeSH D009134, MONDO:0001516, HP:0007269.

Submission:

Labcorp Genetics (formerly Invitae), Labcorp
Classification: Uncertain significance for Spinal muscular atrophy. Last evaluated: 2022-10-25. Review status: criteria provided, single submitter. Criteria: Invitae Variant Classification Sherloc (09022015). Collection method: clinical testing. Allele origin: germline.
Comment: The frequency data for this variant in the population databases (gnomAD) is considered unreliable due to the presence of homologous sequence, such as pseudogenes or paralogs, in the genome. This sequence change affects codon 295 of the SMN1 mRNA. It is a 'silent' change, meaning that it does not change the encoded amino acid sequence of the SMN1 protein. This variant has been observed in individual(s) with clinical features of spinal muscular atrophy (Invitae). In at least one individual the data is consistent with being in trans (on the opposite chromosome) from a pathogenic variant. Algorithms developed to predict the effect of sequence changes on RNA splicing suggest that this variant may disrupt the consensus splice site. In summary, the available evidence is currently insufficient to determine the role of this variant in disease. Therefore, it has been classified as a Variant of Uncertain Significance.

NM_000344.4(SMN1):c.885A>G (p.Ter295=)

Gene: SMN1 (survival of motor neuron 1, telomeric). Cytogenetic location: 5q13.2.
Variant type: single nucleotide variant.
Coding change: c.885A>G on transcript NM_000344.4 (MANE Select); coding-DNA position 885, A replaced by G.
Protein change: p.Ter295=.
Molecular consequence: synonymous variant. On other transcripts: intron variant (1).
Genome position (GRCh38, 1-based): chr5:70,951,991, A>G. VCF-style: chr5-70951991-A-G. GRCh37 (hg19) VCF-style: chr5-70247818-A-G.
Other names: c.789A>G, p.Ter263= (NM_022874.2); c.835-448A>G (NM_001297715.1).
Identifiers: ClinVar variation 2035672 (VCV002035672.4), dbSNP rs2532152479, ClinGen allele CA444976050.
Genomic context (GRCh38, chr5:70,951,991, plus strand): 5'-TTCCTTACAGGGTTTCAGACAAAATCAAAAAGAAGGAAGGTGCTCACATTCCTTAAATTA[A>G]GGAGTAAGTCTGCCAGCATTATGAAAGTGAATCTTACTTTTGTAAAACTTTATGGTTTGT-3'